The following is an entry in ClinVar:

ClinVar aggregate classification (germline): Benign/Likely benign. Review status: criteria provided, multiple submitters, no conflicts (2 of 4 stars). 4 submissions from 4 submitters: Benign (2); Likely benign (2). Last evaluated 2026-06-01.

Allele frequency attached by ClinVar (database versions not stated): ESP Exome Variant Server 0.00031; 1000 Genomes Project 30x 0.00047; 1000 Genomes Project 0.00060; gnomAD 0.00166.
gnomAD v4.1: 993 of 1,582,368 alleles (0.063%); highest among the groups gnomAD compares: South Asian, 0.13%; no homozygotes.

Submissions (4):

CeGaT Center for Human Genetics Tuebingen
Classification: Likely benign. Last evaluated: 2026-06-01. Review status: criteria provided, single submitter. Criteria: CeGaT Center For Human Genetics Tuebingen Variant Classification Criteria Version 2. Collection method: clinical testing. Allele origin: germline. Affected: yes. Observed: 6 variant alleles.
Comment: AUTS2: BP4, BP7, BS1

Labcorp Genetics (formerly Invitae), Labcorp
Classification: Benign. Last evaluated: 2025-11-11. Review status: criteria provided, single submitter. Criteria: Invitae Variant Classification Sherloc (09022015). Collection method: clinical testing. Allele origin: germline.

Blueprint Genetics
Classification: Likely benign. Last evaluated: 2024-11-19. Review status: criteria provided, single submitter. Criteria: ACMG Guidelines, 2015. Collection method: clinical testing. Allele origin: germline.

GeneDx
Classification: Benign. Last evaluated: 2020-08-05. Review status: criteria provided, single submitter. Criteria: GeneDx Variant Classification Process June 2021. Collection method: clinical testing. Allele origin: germline. Affected: yes.

NM_015570.4(AUTS2):c.2820G>C (p.Pro940=)

Gene: AUTS2 (activator of transcription and developmental regulator AUTS2; plus strand). Cytogenetic location: 7q11.22.
Variant type: single nucleotide variant.
Coding change: c.2820G>C on transcript NM_015570.4 (MANE Select); coding-DNA position 2820, G replaced by C.
Protein change: p.Pro940=; no amino-acid change (proline 940 retained).
Molecular consequence: synonymous variant.
Genome position (GRCh38, 1-based): chr7:70,790,036, G>C. VCF-style: chr7-70790036-G-C. GRCh37 (hg19) VCF-style: chr7-70255022-G-C.
Other names: c.2748G>C, p.Pro916= (NM_001127231.3).
Identifiers: ClinVar variation 707584 (VCV000707584.35), dbSNP rs148406339, ClinGen allele CA4281194.